The following is an entry in ClinVar:

NM_058216.3(RAD51C):c.966-2289C>T

Gene: RAD51C (RAD51 paralog C; plus strand). Cytogenetic location: 17q22.
Variant type: single nucleotide variant.
Coding change: c.966-2289C>T on transcript NM_058216.3 (MANE Select); 2289 bases into the intron before coding-DNA position 966, C replaced by T.
Molecular consequence: intron variant.
Genome position (GRCh38, 1-based): chr17:58,730,195, C>T. VCF-style: chr17-58730195-C-T. GRCh37 (hg19) VCF-style: chr17-56807556-C-T.
Identifiers: ClinVar variation 3905692 (VCV003905692.10).

ClinVar aggregate classification (germline): Likely benign (1 of 4 stars; one submission).

gnomAD v4.1: 9 of 139,706 alleles (0.0064%); highest among the groups gnomAD compares: African/African-American, 0.011%; no homozygotes.

Submission:

CeGaT Center for Human Genetics Tuebingen
Classification: Likely benign. Last evaluated: 2025-11-01. Review status: criteria provided, single submitter. Criteria: CeGaT Center For Human Genetics Tuebingen Variant Classification Criteria Version 2. Collection method: clinical testing. Allele origin: germline. Affected: yes. Observed: 2 variant alleles.
Comment: RAD51C: BP4, BP7